The following is an entry in ClinVar:

ClinVar aggregate classification (germline): Uncertain significance. Review status: criteria provided, multiple submitters, no conflicts (2 of 4 stars). 2 submissions from 2 submitters: Uncertain significance (2). Last evaluated 2025-06-22.

Conditions:
Inborn genetic diseases. Identifiers: MedGen C0950123, MeSH D030342.

Submissions (2):

Ambry Genetics
Classification: Uncertain significance for Inborn genetic diseases. Last evaluated: 2025-06-22. Review status: criteria provided, single submitter. Criteria: Ambry Variant Classification Scheme 2023. Collection method: clinical testing. Allele origin: germline.

Women's Health and Genetics/Laboratory Corporation of America, LabCorp
Classification: Uncertain significance. Last evaluated: 2025-05-20. Review status: criteria provided, single submitter. Criteria: LabCorp Variant Classification Summary - May 2015. Collection method: clinical testing. Allele origin: germline.
Comment: Variant summary: CERT1 c.190C>T (p.Leu64Phe) results in a non-conservative amino acid change in the encoded protein sequence. Algorithms developed to predict the effect of missense changes on protein structure and function are either unavailable or do not agree on the potential impact of this missense change. The variant was absent in 31358 control chromosomes (gnomAD). The available data on variant occurrences in the general population are insufficient to allow any conclusion about variant significance. To our knowledge, no occurrence of c.190C>T in individuals affected with Intellectual Disability, Autosomal Dominant 34 and no experimental evidence demonstrating its impact on protein function have been reported. No submitters have cited clinical-significance assessments for this variant to ClinVar. Based on the evidence outlined above, the variant was classified as uncertain significance.

NM_001379029.1(CERT1):c.-195C>T

Genes: CERT1 (ceramide transporter 1; minus strand), POLK (DNA polymerase kappa; plus strand). Cytogenetic location: 5q13.3.
Variant type: single nucleotide variant.
Coding change: c.-195C>T on transcript NM_001379029.1 (MANE Select); 195 bases upstream of the start codon, C replaced by T.
Molecular consequence: 5 prime UTR variant. On other transcripts: missense variant (1).
Genome position (GRCh38, 1-based): chr5:75,511,402, G>A on the plus strand (C>T on the coding strand, the complement: CERT1 is on the minus strand). VCF-style: chr5-75511402-G-A. GRCh37 (hg19) VCF-style: chr5-74807227-G-A.
Other names: c.190C>T, p.Leu64Phe (NM_001130105.1); c.-195C>T (NM_001379002.1, NM_001379003.1, NM_001379004.1 and 2 more transcripts); short protein forms L64F.
Identifiers: ClinVar variation 3902113 (VCV003902113.2).